The following is an entry in ClinVar:

ClinVar aggregate classification (germline): Pathogenic. Review status: criteria provided, multiple submitters, no conflicts (2 of 4 stars). 3 submissions from 3 submitters: Pathogenic (3). Last evaluated 2024-03-08.

Conditions:
Familial hypokalemia-hypomagnesemia (GTLMNS). Also called: gitelman syndrome; POTASSIUM AND MAGNESIUM DEPLETION; HYPOMAGNESEMIA-HYPOKALEMIA, PRIMARY RENOTUBULAR, WITH HYPOCALCIURIA. Identifiers: Orphanet 358, MedGen C0268450, MONDO:0009904, OMIM 263800.

Submissions (3):

Fulgent Genetics
Classification: Pathogenic for Familial hypokalemia-hypomagnesemia. Last evaluated: 2024-03-08. Review status: criteria provided, single submitter. Criteria: ACMG Guidelines, 2015. Collection method: clinical testing. Allele origin: germline.

Natera, Inc.
Classification: Pathogenic for Gitelman syndrome. Last evaluated: 2024-03-06. Review status: criteria provided, single submitter. Criteria: Natera Variant Classification Schema (03/2026). Collection method: clinical testing. Allele origin: germline.
Comment: The c.817dupG variant in SLC12A3 is a frameshift variant predicted to shift the reading frame beginning at codon 273 and leads to a stop codon 38 codons downstream. This variant is expected to result in nonsense mediated decay, truncation, or a dysfunctional protein product. This variant is rare in the general population with a frequency below the threshold expected for the associated phenotype(s). This variant has been observed in one or more individuals affected with the associated recessive disease, as either homozygous or compound heterozygous with a second variant (PMID: 30596175, 22009145). Given the available evidence, this variant is classified as Pathogenic.

Labcorp Genetics (formerly Invitae), Labcorp
Classification: Pathogenic. Last evaluated: 2024-02-06. Review status: criteria provided, single submitter. Criteria: Invitae Variant Classification Sherloc (09022015). Collection method: clinical testing. Allele origin: germline.
Comment: This sequence change creates a premature translational stop signal (p.Ala273Glyfs*38) in the SLC12A3 gene. It is expected to result in an absent or disrupted protein product. Loss-of-function variants in SLC12A3 are known to be pathogenic (PMID: 20848653, 22009145, 25841442). This variant is not present in population databases (gnomAD no frequency). This premature translational stop signal has been observed in individuals with Gitelman syndrome (PMID: 19668106, 30596175). ClinVar contains an entry for this variant (Variation ID: 949583). For these reasons, this variant has been classified as Pathogenic.

Literature cited by the submitters: PubMed 30596175 (cited by Natera, Inc. and Labcorp Genetics (formerly Invitae), Labcorp); PubMed 22009145 (cited by Natera, Inc. and Labcorp Genetics (formerly Invitae), Labcorp); PubMed 20848653 (cited by Labcorp Genetics (formerly Invitae), Labcorp); PubMed 25841442 (cited by Labcorp Genetics (formerly Invitae), Labcorp); PubMed 19668106 (cited by Labcorp Genetics (formerly Invitae), Labcorp).

NM_001126108.2(SLC12A3):c.817dup (p.Ala273fs)

Gene: SLC12A3 (solute carrier family 12 member 3; plus strand). Cytogenetic location: 16q13.
Variant type: Duplication.
Coding change: c.817dup on transcript NM_001126108.2 (MANE Select); coding-DNA position 817, one base duplicated (G; older notation c.817dupG).
Protein change: p.Ala273fs; shifts the reading frame from alanine 273.
Molecular consequence: frameshift variant.
Genome position (GRCh38, 1-based): chr16:56,870,701, G duplicated; the last of 2 consecutive G bases (chr16:56,870,700-56,870,701); duplicating either gives the same sequence. VCF-style (leftmost placement, unchanged base first): chr16-56870699-T-TG. GRCh37 (hg19) VCF-style: chr16-56904611-T-TG.
Other names: c.817dup, p.Ala273fs (NM_000339.3); c.814dup, p.Ala272fs (NM_001126107.2); c.817dupG (NM_000339.2); short protein forms A272fs, A273fs.
Identifiers: ClinVar variation 949583 (VCV000949583.13), dbSNP rs2055082369, ClinGen allele CA495603213.
Genomic context (GRCh38, chr16:56,870,699, plus strand): 5'-CCATCGTGGACCCCATTAACGACATCCGCATCATTGCCGTGGTCTCGGTCACTGTGCTGC[T>TG]GGCCATCTCCCTGGCTGGCATGGAGTGGGAGTCCAAGGTGAGGAGGCCATGGAGGAGGGG-3'